The following is an entry in ClinVar:

ClinVar aggregate classification (germline): Uncertain significance. Review status: criteria provided, multiple submitters, no conflicts (2 of 4 stars). 2 submissions from 2 submitters: Uncertain significance (2). Last evaluated 2023-06-22.

Conditions:
Wilms tumor 1 (WT1). Also called: Wilms tumor, somatic. Identifiers: Orphanet 654, MedGen CN033288, MONDO:0008679, OMIM 194070.
Nephrotic syndrome, type 4 (NPHS4). Also called: Familial mesangial sclerosis; Nephrotic syndrome, early onset with diffuse mesangial sclerosis. Identifiers: Orphanet 656, MedGen C3151568, MONDO:0009733, OMIM 256370.

Submissions (2):

Neuberg Centre For Genomic Medicine, NCGM
Classification: Uncertain significance for Nephrotic syndrome, type 4. Last evaluated: 2023-06-22. Review status: criteria provided, single submitter. Criteria: ACMG Guidelines, 2015. Collection method: clinical testing. Allele origin: germline. Inheritance: Autosomal dominant inheritance. Affected: yes.
Comment: The observed missense c.1244T>Gp.Met415Arg variant in WT1 gene has not been reported previously as a pathogenic variant nor as a benign variant, to our knowledge. This variant is absent in gnomAD Exomes. The amino acid Met at position 415 is changed to a Arg changing protein sequence and it might alter its composition and physico-chemical properties. The amino acid change p.Met415Arg in WT1 is predicted as conserved by GERP++ and PhyloP across 100 vertebrates. Multiple lines of computational evidence Polyphen - Possibly Damaging, SIFT - Damaging, and MutationTaster - Disease causing predict a damaging effect on protein structure and function for this variant. For these reasons, this variant has been classified as Uncertain Significance.

Baylor Genetics
Classification: Uncertain significance for Wilms tumor 1. Last evaluated: 2023-05-29. Review status: criteria provided, single submitter. Criteria: ACMG Guidelines, 2015. Collection method: clinical testing. Allele origin: unknown.

NM_024426.6(WT1):c.1244T>G (p.Met415Arg)

Gene: WT1 (WT1 transcription factor; minus strand). Cytogenetic location: 11p13.
Variant type: single nucleotide variant.
Coding change: c.1244T>G on transcript NM_024426.6 (MANE Select); coding-DNA position 1244, T replaced by G.
Protein change: p.Met415Arg; replaces methionine 415 with arginine.
Molecular consequence: missense variant. On other transcripts: non-coding transcript variant (2).
Genome position (GRCh38, 1-based): chr11:32,396,277, A>C on the plus strand (T>G on the coding strand, the complement: WT1 is on the minus strand). VCF-style: chr11-32396277-A-C. GRCh37 (hg19) VCF-style: chr11-32417823-A-C.
Other names: c.1193T>G, p.Met398Arg (NM_000378.6, NM_001407045.1, NM_001407048.1 and 1 more transcripts); c.593T>G, p.Met198Arg (NM_001198551.2); c.542T>G, p.Met181Arg (NM_001198552.2); c.56T>G, p.Met19Arg (NM_001367854.1); c.1238T>G, p.Met413Arg (NM_001407044.1); c.1244T>G, p.Met415Arg (NM_001407046.1, NM_024424.5); c.1121T>G, p.Met374Arg (NM_001407047.1); c.1070T>G, p.Met357Arg (NM_001407050.1); and 2 more; short protein forms M161R, M181R, M198R, M19R, M357R, M374R, M393R, M398R.
Identifiers: ClinVar variation 2582610 (VCV002582610.2), dbSNP rs1590338659, ClinGen allele CA379959806.